The following is an entry in ClinVar:

ClinVar aggregate classification (germline): Pathogenic (1 of 4 stars; one submission).

Conditions:
Baller-Gerold syndrome (BGS). Also called: CRANIOSYNOSTOSIS WITH RADIAL DEFECTS. Identifiers: Orphanet 1225, MedGen C0265308, MONDO:0009039, OMIM 218600.

Submission:

Labcorp Genetics (formerly Invitae), Labcorp
Classification: Pathogenic for Baller-Gerold syndrome. Last evaluated: 2024-09-27. Review status: criteria provided, single submitter. Criteria: Invitae Variant Classification Sherloc (09022015). Collection method: clinical testing. Allele origin: germline.
Comment: This sequence change creates a premature translational stop signal (p.Gly733Glnfs*113) in the RECQL4 gene. It is expected to result in an absent or disrupted protein product. Loss-of-function variants in RECQL4 are known to be pathogenic (PMID: 12734318, 12952869). This variant is not present in population databases (gnomAD no frequency). This variant has not been reported in the literature in individuals affected with RECQL4-related conditions. For these reasons, this variant has been classified as Pathogenic.

Literature cited by the submitters: PubMed 12734318; PubMed 12952869.

NM_004260.4(RECQL4):c.2182_2189dup (p.Gly733fs)

Gene: RECQL4 (RecQ like helicase 4; minus strand). Cytogenetic location: 8q24.3.
Variant type: Duplication.
Coding change: c.2182_2189dup on transcript NM_004260.4 (MANE Select); coding-DNA positions 2182 to 2189, 8 bases duplicated (TGGGTCCC; older notation c.2182_2189dupTGGGTCCC).
Protein change: p.Gly733fs; shifts the reading frame from glycine 733.
Molecular consequence: frameshift variant. On other transcripts: non-coding transcript variant (2).
Genome position (GRCh38, 1-based): chr8:144,513,582-144,513,589, GGGACCCA duplicated on the plus strand (TGGGTCCC on the coding strand, the reverse complement: RECQL4 is on the minus strand); duplicating any 8 consecutive bases within chr8:144,513,582-144,513,591 gives the same sequence; the c. name uses the placement nearest the transcript's 3' end. VCF-style (leftmost placement, unchanged base first): chr8-144513581-T-TGGGACCCA. GRCh37 (hg19) VCF-style: chr8-145738965-T-TGGGACCCA.
Other names: c.2086_2093dup, p.Gly701fs (NM_001413017.1, NM_001413020.1); c.2182_2189dup, p.Gly733fs (NM_001413018.1, NM_001413019.1, NM_001413036.1); c.1111_1118dup, p.Gly376fs (NM_001413021.1, NM_001413022.1, NM_001413023.1 and 6 more transcripts); c.2053_2060dup, p.Gly690fs (NM_001413025.1); c.1045_1052dup, p.Gly354fs (NM_001413027.1, NM_001413030.1, NM_001413032.1 and 1 more transcripts); c.1831_1838dup, p.Gly616fs (NM_001413029.1); c.913_920dup, p.Gly310fs (NM_001413031.1); c.2050_2057dup, p.Gly689fs (NM_001413033.1); and 4 more; short protein forms G244fs, G733fs, G354fs, G366fs, G616fs, G310fs, G332fs, G689fs.
Identifiers: ClinVar variation 3721618 (VCV003721618.2).